The following is an entry in ClinVar:

ClinVar aggregate classification (germline): Uncertain significance (1 of 4 stars; one submission).

gnomAD v4.1: 1 of 1,587,878 alleles (0.000063%); highest among the groups gnomAD compares: Non-Finnish European, 0.000086%; no homozygotes.

Submission:

Labcorp Genetics (formerly Invitae), Labcorp
Classification: Uncertain significance. Last evaluated: 2025-11-03. Review status: criteria provided, single submitter. Criteria: Invitae Variant Classification Sherloc (09022015). Collection method: clinical testing. Allele origin: germline.
Comment: This sequence change replaces threonine, which is neutral and polar, with asparagine, which is neutral and polar, at codon 207 of the PCGF2 protein (p.Thr207Asn). This variant is not present in population databases (gnomAD no frequency). This variant has not been reported in the literature in individuals affected with PCGF2-related conditions. Invitae Evidence Modeling of protein sequence and biophysical properties (such as structural, functional, and spatial information, amino acid conservation, physicochemical variation, residue mobility, and thermodynamic stability) indicates that this missense variant is expected to disrupt PCGF2 protein function with a positive predictive value of 80%. In summary, the available evidence is currently insufficient to determine the role of this variant in disease. Therefore, it has been classified as a Variant of Uncertain Significance.

NM_007144.3(PCGF2):c.620C>A (p.Thr207Asn)

Gene: PCGF2 (polycomb group ring finger 2; minus strand). Cytogenetic location: 17q12.
Variant type: single nucleotide variant.
Coding change: c.620C>A on transcript NM_007144.3 (MANE Select); coding-DNA position 620, C replaced by A.
Protein change: p.Thr207Asn; replaces threonine 207 with asparagine.
Molecular consequence: missense variant.
Genome position (GRCh38, 1-based): chr17:38,736,127, G>T on the plus strand (C>A on the coding strand, the complement: PCGF2 is on the minus strand). VCF-style: chr17-38736127-G-T. GRCh37 (hg19) VCF-style: chr17-36892380-G-T.
Other names: c.620C>A, p.Thr207Asn (NM_001369614.1, NM_001369615.1); short protein forms T207N.
Identifiers: ClinVar variation 4806071 (VCV004806071.1).
Genomic context (GRCh38, chr17:38,736,127, plus strand): 5'-GCCCGCCCCACTCGCTGGCTCACCCGCCGCCAGGGGTAGATGTAGGCGATGTCCATGAGG[G>T]TGTAGTATTCCTTCAGTGGCTCGTCCTCGTACAGAACCTCCACCTGGGGGAGGGAAGCGG-3'
Protein context (NP_009075.1, residues 197-217): YEDEPLKEYY[Thr207Asn]LMDIAYIYPW